The following is an entry in ClinVar:

ClinVar aggregate classification (germline): Uncertain significance (1 of 4 stars; one submission).

Conditions:
Hereditary nonpolyposis colorectal neoplasms. Identifiers: MedGen C0009405, MeSH D003123.

Submission:

Labcorp Genetics (formerly Invitae), Labcorp
Classification: Uncertain significance for Hereditary nonpolyposis colorectal neoplasms. Last evaluated: 2022-10-20. Review status: criteria provided, single submitter. Criteria: Invitae Variant Classification Sherloc (09022015). Collection method: clinical testing. Allele origin: germline.
Comment: This sequence change replaces valine, which is neutral and non-polar, with aspartic acid, which is acidic and polar, at codon 230 of the PMS2 protein (p.Val230Asp). Information on the frequency of this variant in the gnomAD database is not available, as this variant may be reported differently in the database. This variant has not been reported in the literature in individuals affected with PMS2-related conditions. Algorithms developed to predict the effect of missense changes on protein structure and function are either unavailable or do not agree on the potential impact of this missense change (SIFT: "Not Available"; PolyPhen-2: "Probably Damaging"; Align-GVGD: "Not Available"). In summary, the available evidence is currently insufficient to determine the role of this variant in disease. Therefore, it has been classified as a Variant of Uncertain Significance.

NM_000535.7(PMS2):c.689_690delinsAT (p.Val230Asp)

Gene: PMS2 (PMS1 homolog 2, mismatch repair system component; minus strand). Cytogenetic location: 7p22.1.
Variant type: Indel.
Coding change: c.689_690delinsAT on transcript NM_000535.7 (MANE Select); coding-DNA positions 689 to 690, TG replaced by AT.
Protein change: p.Val230Asp; replaces valine 230 with aspartic acid.
Molecular consequence: missense variant. On other transcripts: 5 prime UTR variant (2), non-coding transcript variant (1), intron variant (1).
Genome position (GRCh38, 1-based): chr7:5,999,123-5,999,124, CA replaced by AT on the plus strand (TG replaced by AT on the coding strand, the reverse complement: PMS2 is on the minus strand). VCF-style: chr7-5999123-CA-AT. GRCh37 (hg19) VCF-style: chr7-6038754-CA-AT.
Other names: c.284_285delTGinsAT, p.Val95Asp (NM_001018040.1, NM_001406887.1, NM_001406888.1 and 15 more transcripts); c.284_285delinsAT, p.Val95Asp (NM_001322003.2, NM_001322004.2, NM_001322005.2 and 2 more transcripts); c.689_690delinsAT, p.Val230Asp (NM_001322006.2, NM_001322014.2); c.371_372delinsAT, p.Val124Asp (NM_001322007.2, NM_001322008.2); c.-245_-244delinsAT (NM_001322011.2, NM_001322012.2); c.380_381delinsAT, p.Val127Asp (NM_001322015.2); c.875_876delTGinsAT, p.Val292Asp (NM_001406866.1); c.713_714delTGinsAT, p.Val238Asp (NM_001406868.1); and 5 more; short protein forms V118D, V124D, V127D, V230D, V238D, V292D, V95D.
Identifiers: ClinVar variation 1721925 (VCV001721925.5), dbSNP rs2536304525, ClinGen allele CA2580076887.